The following is an entry in ClinVar:

NM_001447.3(FAT2):c.890G>A (p.Gly297Glu)

Gene: FAT2 (FAT atypical cadherin 2; minus strand). Cytogenetic location: 5q33.1.
Variant type: single nucleotide variant.
Coding change: c.890G>A on transcript NM_001447.3 (MANE Select); coding-DNA position 890, G replaced by A.
Protein change: p.Gly297Glu; replaces glycine 297 with glutamic acid.
Molecular consequence: missense variant.
Genome position (GRCh38, 1-based): chr5:151,568,042, C>T on the plus strand (G>A on the coding strand, the complement: FAT2 is on the minus strand). VCF-style: chr5-151568042-C-T. GRCh37 (hg19) VCF-style: chr5-150947603-C-T.
Other names: c.890G>A (NM_001447.2); short protein forms G297E.
Identifiers: ClinVar variation 2965350 (VCV002965350.4), dbSNP rs552948519, ClinGen allele CA3522354.

ClinVar aggregate classification (germline): Uncertain significance. Review status: criteria provided, multiple submitters, no conflicts (2 of 4 stars). 2 submissions from 2 submitters: Uncertain significance (2). Last evaluated 2025-05-03.

Allele frequency attached by ClinVar (database versions not stated): gnomAD 0.00001; gnomAD exomes 0.00004; ExAC 0.00013; 1000 Genomes Project 30x 0.00016; 1000 Genomes Project 0.00020.
gnomAD v4.1: 66 of 1,614,212 alleles (0.0041%); highest among the groups gnomAD compares: South Asian, 0.059%; 1 homozygote.

Submissions (2):

Ambry Genetics
Classification: Uncertain significance. Last evaluated: 2025-05-03. Review status: criteria provided, single submitter. Criteria: Ambry Variant Classification Scheme 2023. Collection method: clinical testing. Allele origin: germline.

Labcorp Genetics (formerly Invitae), Labcorp
Classification: Uncertain significance. Last evaluated: 2024-10-24. Review status: criteria provided, single submitter. Criteria: Invitae Variant Classification Sherloc (09022015). Collection method: clinical testing. Allele origin: germline.
Comment: This sequence change replaces glycine, which is neutral and non-polar, with glutamic acid, which is acidic and polar, at codon 297 of the FAT2 protein (p.Gly297Glu). This variant is present in population databases (rs552948519, gnomAD 0.08%), and has an allele count higher than expected for a pathogenic variant. This variant has not been reported in the literature in individuals affected with FAT2-related conditions. Invitae Evidence Modeling of protein sequence and biophysical properties (such as structural, functional, and spatial information, amino acid conservation, physicochemical variation, residue mobility, and thermodynamic stability) indicates that this missense variant is expected to disrupt FAT2 protein function with a positive predictive value of 80%. In summary, the available evidence is currently insufficient to determine the role of this variant in disease. Therefore, it has been classified as a Variant of Uncertain Significance.